The following is an entry in ClinVar:

ClinVar aggregate classification (germline): Uncertain significance (1 of 4 stars; one submission).

Conditions:
Adenylosuccinate lyase deficiency (ADSLD). Also called: ADSL DEFICIENCY. Identifiers: Orphanet 46, MedGen C0268126, MONDO:0007068, OMIM 103050.

Allele frequency attached by ClinVar (database versions not stated): TOPMed 0.00001; gnomAD exomes 0.00002; ESP Exome Variant Server 0.00008.
gnomAD v4.1: 26 of 1,614,138 alleles (0.0016%); highest among the groups gnomAD compares: Non-Finnish European, 0.0021%; no homozygotes.

Submission:

Labcorp Genetics (formerly Invitae), Labcorp
Classification: Uncertain significance for Adenylosuccinate lyase deficiency. Last evaluated: 2022-04-10. Review status: criteria provided, single submitter. Criteria: Invitae Variant Classification Sherloc (09022015). Collection method: clinical testing. Allele origin: germline.
Comment: In summary, the available evidence is currently insufficient to determine the role of this variant in disease. Therefore, it has been classified as a Variant of Uncertain Significance. Advanced modeling of protein sequence and biophysical properties (such as structural, functional, and spatial information, amino acid conservation, physicochemical variation, residue mobility, and thermodynamic stability) performed at Invitae indicates that this missense variant is not expected to disrupt ADSL protein function. This variant has not been reported in the literature in individuals affected with ADSL-related conditions. This variant is not present in population databases (gnomAD no frequency). This sequence change replaces glutamic acid, which is acidic and polar, with aspartic acid, which is acidic and polar, at codon 213 of the ADSL protein (p.Glu213Asp).

NM_000026.4(ADSL):c.639G>T (p.Glu213Asp)

Gene: ADSL (adenylosuccinate lyase; plus strand). Cytogenetic location: 22q13.1.
Variant type: single nucleotide variant.
Coding change: c.639G>T on transcript NM_000026.4 (MANE Select); coding-DNA position 639, G replaced by T.
Protein change: p.Glu213Asp; replaces glutamic acid 213 with aspartic acid.
Molecular consequence: missense variant. On other transcripts: non-coding transcript variant (1).
Genome position (GRCh38, 1-based): chr22:40,359,020, G>T. VCF-style: chr22-40359020-G-T. GRCh37 (hg19) VCF-style: chr22-40755024-G-T.
Other names: c.639G>T, p.Glu213Asp (NM_001123378.3, NM_001363840.3, NM_001410812.1 and 1 more transcripts); c.447G>T, p.Glu149Asp (NM_001317923.2); c.594G>T, p.Glu198Asp (NM_001410814.1); short protein forms E213D, E198D, E149D.
Identifiers: ClinVar variation 2086208 (VCV002086208.4), dbSNP rs376751756, ClinGen allele CA324456481.
Genomic context (GRCh38, chr22:40,359,020, plus strand): 5'-GCGCTTCCGGGGAGTAAAGGGTACCACTGGCACTCAGGCCAGTTTCCTGCAGCTCTTTGA[G>T]GGAGATGACCATAAGGTATTCTGAAAGTGACCTGCAGGACACAGAAACTCAATGGTGGAG-3'
Protein context (NP_000017.1, residues 203-223): GTQASFLQLF[Glu213Asp]GDDHKVEQLD